The following is an entry in ClinVar:

NM_004341.5(CAD):c.5444G>T (p.Gly1815Val)

Gene: CAD (carbamoyl-phosphate synthetase 2, aspartate transcarbamylase, and dihydroorotase; plus strand). Cytogenetic location: 2p23.3.
Variant type: single nucleotide variant.
Coding change: c.5444G>T on transcript NM_004341.5 (MANE Select); coding-DNA position 5444, G replaced by T.
Protein change: p.Gly1815Val; replaces glycine 1815 with valine.
Molecular consequence: missense variant.
Genome position (GRCh38, 1-based): chr2:27,239,746, G>T. VCF-style: chr2-27239746-G-T. GRCh37 (hg19) VCF-style: chr2-27462614-G-T.
Other names: c.5255G>T, p.Gly1752Val (NM_001306079.2); short protein forms G1752V, G1815V.
Identifiers: ClinVar variation 1497038 (VCV001497038.7), dbSNP rs147034758, ClinGen allele CA1573867.
Genomic context (GRCh38, chr2:27,239,746, plus strand): 5'-TCTGCCTGCAGGTTCTGGTACCCCCGGGCTATGGACAGGATGTACGGAAGTGGCCACAGG[G>T]GGCTGTTCCTCAGCTCCCACCCTCAGCCCCTGCCACTAGTGAGATGACCACGGTATCCAC-3'
Protein context (NP_004332.2, residues 1805-1825): YGQDVRKWPQ[Gly1815Val]AVPQLPPSAP

ClinVar aggregate classification (germline): Uncertain significance (1 of 4 stars; one submission).

Allele frequency attached by ClinVar (database versions not stated): gnomAD 0.00003 and 0.00004; gnomAD exomes 0.00003 and 0.00004; TOPMed 0.00003; ExAC 0.00005; ESP Exome Variant Server 0.00023.
gnomAD v4.1: 67 of 1,592,106 alleles (0.0042%); highest among the groups gnomAD compares: Non-Finnish European, 0.0056%; no homozygotes.

Submission:

Labcorp Genetics (formerly Invitae), Labcorp
Classification: Uncertain significance. Last evaluated: 2024-10-30. Review status: criteria provided, single submitter. Criteria: Invitae Variant Classification Sherloc (09022015). Collection method: clinical testing. Allele origin: germline.
Comment: This sequence change replaces glycine, which is neutral and non-polar, with valine, which is neutral and non-polar, at codon 1815 of the CAD protein (p.Gly1815Val). This variant is present in population databases (rs147034758, gnomAD 0.007%). This variant has not been reported in the literature in individuals affected with CAD-related conditions. ClinVar contains an entry for this variant (Variation ID: 1497038). An algorithm developed to predict the effect of missense changes on protein structure and function (PolyPhen-2) suggests that this variant¬†is likely to be tolerated. Algorithms developed to predict the effect of sequence changes on RNA splicing suggest that this variant may create or strengthen a splice site. In summary, the available evidence is currently insufficient to determine the role of this variant in disease. Therefore, it has been classified as a Variant of Uncertain Significance.